The following is an entry in ClinVar:

ClinVar aggregate classification (germline): Uncertain significance. Review status: criteria provided, multiple submitters, no conflicts (2 of 4 stars). 3 submissions from 3 submitters: Uncertain significance (3). Last evaluated 2025-03-22.

Conditions:
Inborn genetic diseases. Identifiers: MedGen C0950123, MeSH D030342.
Autosomal dominant childhood-onset proximal spinal muscular atrophy with contractures (SMALED2A). Also called: Spinal muscular atrophy, lower extremity-predominant, 2A, autosomal dominant; SPINAL MUSCULAR ATROPHY, LOWER EXTREMITY-PREDOMINANT, 2A, CHILDHOOD ONSET, AUTOSOMAL DOMINANT. Identifiers: Orphanet 363447, Orphanet 363454, MedGen C4747715, MONDO:0014121, OMIM 615290.

Submissions (3):

Ambry Genetics
Classification: Uncertain significance for Inborn genetic diseases. Last evaluated: 2025-03-22. Review status: criteria provided, single submitter. Criteria: Ambry Variant Classification Scheme 2023. Collection method: clinical testing. Allele origin: germline.

MGZ Medical Genetics Center
Classification: Uncertain significance for Autosomal dominant childhood-onset proximal spinal muscular atrophy with contractures. Last evaluated: 2022-06-20. Review status: criteria provided, single submitter. Criteria: ACMG Guidelines, 2015. Collection method: clinical testing. Allele origin: germline. Affected: yes. Observed: 1 variant allele.
Comment: ACMG criteria applied: PM2_SUP, BP4

Labcorp Genetics (formerly Invitae), Labcorp
Classification: Uncertain significance for Autosomal dominant childhood-onset proximal spinal muscular atrophy with contractures. Last evaluated: 2020-02-12. Review status: criteria provided, single submitter. Criteria: Invitae Variant Classification Sherloc (09022015). Collection method: clinical testing. Allele origin: germline.
Comment: In summary, the available evidence is currently insufficient to determine the role of this variant in disease. Therefore, it has been classified as a Variant of Uncertain Significance. This sequence change replaces histidine with tyrosine at codon 31 of the BICD2 protein (p.His31Tyr). The histidine residue is moderately conserved and there is a moderate physicochemical difference between histidine and tyrosine. This variant is not present in population databases (ExAC no frequency). This variant has not been reported in the literature in individuals with BICD2-related disease. ClinVar contains an entry for this variant (Variation ID: 474282). Algorithms developed to predict the effect of missense changes on protein structure and function (SIFT, PolyPhen-2, Align-GVGD) all suggest that this variant is likely to be tolerated, but these predictions have not been confirmed by published functional studies and their clinical significance is uncertain.

NM_001003800.2(BICD2):c.91C>T (p.His31Tyr)

Gene: BICD2 (BICD cargo adaptor 2; minus strand). Cytogenetic location: 9q22.31.
Variant type: single nucleotide variant.
Coding change: c.91C>T on transcript NM_001003800.2 (MANE Select); coding-DNA position 91, C replaced by T.
Protein change: p.His31Tyr; replaces histidine 31 with tyrosine.
Molecular consequence: missense variant.
Genome position (GRCh38, 1-based): chr9:92,764,654, G>A on the plus strand (C>T on the coding strand, the complement: BICD2 is on the minus strand). VCF-style: chr9-92764654-G-A. GRCh37 (hg19) VCF-style: chr9-95526936-G-A.
Other names: c.91C>T, p.His31Tyr (NM_015250.4); short protein forms H31Y.
Identifiers: ClinVar variation 474282 (VCV000474282.14), dbSNP rs1554709923, ClinGen allele CA374032159.
Genomic context (GRCh38, chr9:92,764,654, plus strand): 5'-GCACCGCCAGCCCGTACTCGGCCGCCTGGATCTTCTCACGCGTGGTCTCGGCCAGCTCGT[G>A]GGACAGCCGCTTCACCTCGGCGCGCAGCCACTCCGGCTGCGCCTCCATCACCAGCCGCGC-3'
Protein context (NP_001003800.1, residues 21-41): WLRAEVKRLS[His31Tyr]ELAETTREKI